The following is an entry in ClinVar:

NM_001040108.2(MLH3):c.3280+14A>T

Gene: MLH3 (mutL homolog 3; minus strand). Cytogenetic location: 14q24.3.
Variant type: single nucleotide variant.
Coding change: c.3280+14A>T on transcript NM_001040108.2 (MANE Select); 14 bases into the intron after coding-DNA position 3280, A replaced by T.
Molecular consequence: intron variant.
Genome position (GRCh38, 1-based): chr14:75,046,362, T>A on the plus strand (A>T on the coding strand, the complement: MLH3 is on the minus strand). VCF-style: chr14-75046362-T-A. GRCh37 (hg19) VCF-style: chr14-75513065-T-A.
Other names: c.3280+14A>T (NM_014381.3).
Identifiers: ClinVar variation 314378 (VCV000314378.15), dbSNP rs142042839, ClinGen allele CA7275557.

ClinVar aggregate classification (germline): Benign/Likely benign. Review status: criteria provided, multiple submitters, no conflicts (2 of 4 stars). 4 submissions from 4 submitters: Benign (3); Likely benign (1). Last evaluated 2026-01-21.

Conditions:
Colorectal cancer. Also called: Malignant Colorectal Neoplasm; Colorectal cancer, somatic. Identifiers: MedGen C0346629, MONDO:0005575, OMIM 114500.
Colorectal cancer, hereditary nonpolyposis, type 7. Identifiers: Orphanet 144, MedGen C1858380, MONDO:0013725, OMIM 614385.

Allele frequency attached by ClinVar (database versions not stated): gnomAD 0.00019 and 0.00029; gnomAD exomes 0.00021 and 0.00084; TOPMed 0.00043; ExAC 0.00094; 1000 Genomes Project 30x 0.00219; 1000 Genomes Project 0.00260.
gnomAD v4.1: 354 of 1,613,974 alleles (0.022%); highest among the groups gnomAD compares: East Asian, 0.74%; 2 homozygotes.

Submissions (4):

Labcorp Genetics (formerly Invitae), Labcorp
Classification: Benign for Colorectal cancer, hereditary nonpolyposis, type 7. Last evaluated: 2026-01-21. Review status: criteria provided, single submitter. Criteria: Invitae Variant Classification Sherloc (09022015). Collection method: clinical testing. Allele origin: germline.

Center for Genomic Medicine, Rigshospitalet, Copenhagen University Hospital
Classification: Benign. Last evaluated: 2025-03-04. Review status: criteria provided, single submitter. Criteria: ACMG Guidelines, 2015. Collection method: clinical testing. Allele origin: germline.

Department of Pathology and Laboratory Medicine, Sinai Health System
Classification: Benign for Colorectal cancer. Last evaluated: 2023-05-29. Review status: criteria provided, single submitter. Criteria: ACMG Guidelines, 2015. Collection method: clinical testing. Allele origin: germline. Affected: yes.

Illumina Laboratory Services, Illumina
Classification: Likely benign for Colorectal cancer, hereditary nonpolyposis, type 7. Last evaluated: 2018-01-12. Review status: criteria provided, single submitter. Criteria: ICSL Variant Classification Criteria 13 December 2019. Collection method: clinical testing. Allele origin: germline.
Comment: This variant was observed in the ICSL laboratory as part of a predisposition screen in an ostensibly healthy population. It had not been previously curated by ICSL or reported in the Human Gene Mutation Database (HGMD: prior to June 1st, 2018), and was therefore a candidate for classification through an automated scoring system. Utilizing variant allele frequency, disease prevalence and penetrance estimates, and inheritance mode, an automated score was calculated to assess if this variant is too frequent to cause the disease. Based on the score and internal cut-off values, a variant classified as likely benign is not then subjected to further curation. The score for this variant resulted in a classification of likely benign for this disease.